The following is an entry in ClinVar:

ClinVar aggregate classification (germline): Uncertain significance (1 of 4 stars; one submission).

Allele frequency attached by ClinVar (database versions not stated): gnomAD 0.00001; TOPMed 0.00001; gnomAD exomes 0.00002.
gnomAD v4.1: 26 of 1,262,630 alleles (0.0021%); highest among the groups gnomAD compares: Non-Finnish European, 0.0026%; no homozygotes.

Submission:

Labcorp Genetics (formerly Invitae), Labcorp
Classification: Uncertain significance. Last evaluated: 2022-06-23. Review status: criteria provided, single submitter. Criteria: Invitae Variant Classification Sherloc (09022015). Collection method: clinical testing. Allele origin: germline.
Comment: This sequence change replaces arginine, which is basic and polar, with glycine, which is neutral and non-polar, at codon 82 of the LTBP4 protein (p.Arg82Gly). This variant is not present in population databases (gnomAD no frequency). This variant has not been reported in the literature in individuals affected with LTBP4-related conditions. Experimental studies and prediction algorithms are not available or were not evaluated, and the functional significance of this variant is currently unknown. In summary, the available evidence is currently insufficient to determine the role of this variant in disease. Therefore, it has been classified as a Variant of Uncertain Significance.

NM_003573.2(LTBP4):c.244A>G (p.Arg82Gly)

Gene: LTBP4 (latent transforming growth factor beta binding protein 4; plus strand). Cytogenetic location: 19q13.2.
Variant type: single nucleotide variant.
Coding change: c.244A>G on transcript NM_003573.2; coding-DNA position 244, A replaced by G.
Protein change: p.Arg82Gly; replaces arginine 82 with glycine.
Molecular consequence: missense variant.
Genome position (GRCh38, 1-based): chr19:40,600,081, A>G. VCF-style: chr19-40600081-A-G. GRCh37 (hg19) VCF-style: chr19-41105987-A-G.
Other names: c.355A>G, p.Arg119Gly (NM_001042544.1); short protein forms R119G, R82G.
Identifiers: ClinVar variation 2118994 (VCV002118994.3), dbSNP rs1326183870, ClinGen allele CA405930099.